The following is an entry in ClinVar:

NM_001009944.3(PKD1):c.7065G>A (p.Thr2355=)

Gene: PKD1 (polycystin 1, transient receptor potential channel interacting; minus strand). Cytogenetic location: 16p13.3.
Variant type: single nucleotide variant.
Coding change: c.7065G>A on transcript NM_001009944.3 (MANE Select); coding-DNA position 7065, G replaced by A.
Protein change: p.Thr2355=; no amino-acid change (threonine 2355 retained).
Molecular consequence: synonymous variant.
Genome position (GRCh38, 1-based): chr16:2,107,883, C>T on the plus strand (G>A on the coding strand, the complement: PKD1 is on the minus strand). VCF-style: chr16-2107883-C-T. GRCh37 (hg19) VCF-style: chr16-2157884-C-T.
Other names: c.7065G>A, p.Thr2355= (NM_000296.4).
Identifiers: ClinVar variation 3235214 (VCV003235214.3), dbSNP rs573444508.

ClinVar aggregate classification (germline): Uncertain significance. Review status: criteria provided, multiple submitters, no conflicts (2 of 4 stars). 2 submissions from 2 submitters: Uncertain significance (2). Last evaluated 2022-03-15.

Conditions:
Polycystic kidney disease, adult type (PKD1). Also called: POLYCYSTIC KIDNEY DISEASE 1 WITH OR WITHOUT POLYCYSTIC LIVER DISEASE; Polycystic Kidney Disease 1, Autosomal Dominant; Polycystic kidney disease 1; Polycystic kidney disease 1, severe; Polycystic Kidney, Autosomal Dominant; POLYCYSTIC KIDNEY DISEASE, ADULT, TYPE I. Identifiers: MedGen C3149841, MONDO:0008263, OMIM 173900.

Allele frequency attached by ClinVar (database versions not stated): gnomAD 0.00001; 1000 Genomes Project 30x 0.00016; 1000 Genomes Project 0.00020.
gnomAD v4.1: 11 of 1,543,914 alleles (0.00071%); highest among the groups gnomAD compares: East Asian, 0.0024%; no homozygotes.

Submissions (2):

MVZ Medizinische Genetik Mainz
Classification: Uncertain significance for Polycystic kidney disease, adult type. Last evaluated: 2022-03-15. Review status: criteria provided, single submitter. Criteria: UK Practice Guidelines For Variant Classification V4 01 2020. Collection method: clinical testing. Allele origin: germline. Inheritance: Autosomal dominant inheritance. Affected: yes. Observed: 1 variant allele.
Comment: ACMG Criteria: PM2_SUP, PP3, PP4 (ACMG Version 3)

Juno Genomics, Hangzhou Juno Genomics, Inc
Classification: Uncertain significance for Polycystic kidney disease, adult type. Review status: criteria provided, single submitter. Criteria: ACMG Guidelines, 2015. Collection method: clinical testing. Allele origin: germline.
Comment: Absent from controls (or at extremely low frequency if recessive) in Genome Aggregation Database.;Multiple lines of computational evidence support a deleterious effect on the gene or gene product.